The following is an entry in ClinVar:

NM_000093.5(COL5A1):c.3397C>T (p.Arg1133Ter)

Gene: COL5A1 (collagen type V alpha 1 chain; plus strand). Cytogenetic location: 9q34.3.
Variant type: single nucleotide variant.
Coding change: c.3397C>T on transcript NM_000093.5 (MANE Select); coding-DNA position 3397, C replaced by T.
Protein change: p.Arg1133Ter; replaces arginine 1133 with a stop codon.
Molecular consequence: nonsense.
Genome position (GRCh38, 1-based): chr9:134,809,213, C>T. VCF-style: chr9-134809213-C-T. GRCh37 (hg19) VCF-style: chr9-137701059-C-T.
Other names: c.3397C>T, p.Arg1133Ter (NM_001278074.1); short protein forms R1133*.
Identifiers: ClinVar variation 280931 (VCV000280931.55), dbSNP rs886042045, ClinGen allele CA10603027.

ClinVar aggregate classification (germline): Pathogenic. Review status: criteria provided, multiple submitters, no conflicts (2 of 4 stars). 7 submissions from 7 submitters: Pathogenic (7). Last evaluated 2025-12-24.

Conditions:
Ehlers-Danlos syndrome, classic type, 1 (EDSCL1). Also called: EDS I; EHLERS-DANLOS SYNDROME, GRAVIS TYPE; EHLERS-DANLOS SYNDROME, SEVERE CLASSIC TYPE; Ehlers-Danlos syndrome, type 1; Ehlers-Danlos Syndrome, Classic Type, COL5A1-Related. Identifiers: MedGen C0268335, MONDO:0019567, OMIM 130000.
COL5A1-related disorder. Also called: COL5A1-related condition.
Ehlers-Danlos syndrome (EDS). Identifiers: Orphanet 98249, MedGen C0013720, MONDO:0020066.

Submissions (7):

Labcorp Genetics (formerly Invitae), Labcorp
Classification: Pathogenic for Ehlers-Danlos syndrome, classic type, 1. Last evaluated: 2025-12-24. Review status: criteria provided, single submitter. Criteria: Invitae Variant Classification Sherloc (09022015). Collection method: clinical testing. Allele origin: germline.
Comment: This sequence change creates a premature translational stop signal (p.Arg1133*) in the COL5A1 gene. It is expected to result in an absent or disrupted protein product. Loss-of-function variants in COL5A1 are known to be pathogenic (PMID: 23587214). This variant is not present in population databases (gnomAD no frequency). This premature translational stop signal has been observed in individual(s) with Ehlers-Danlos syndrome (PMID: 22696272, 28485813). ClinVar contains an entry for this variant (Variation ID: 280931). For these reasons, this variant has been classified as Pathogenic.

3billion
Classification: Pathogenic for Ehlers-Danlos syndrome, classic type, 1. Last evaluated: 2025-06-04. Review status: criteria provided, single submitter. Criteria: ACMG Guidelines, 2015. Collection method: clinical testing. Allele origin: germline. Affected: yes.
Comment: The variant is not observed in the gnomAD v4.1.0 dataset. Predicted Consequence/Location: Stop-gained (nonsense): predicted to result in a loss or disruption of normal protein function through nonsense-mediated decay (NMD) or protein truncation. Multiple pathogenic variants are reported downstream of the variant. The variant has been reported at least twice as pathogenic with clinical assertions and evidence for the classification (ClinVar ID: VCV000280931 /PMID: 28485813). Therefore, this variant is classified as Pathogenic according to the recommendation of ACMG/AMP guideline.

GeneDx
Classification: Pathogenic. Last evaluated: 2024-12-11. Review status: criteria provided, single submitter. Criteria: GeneDx Variant Classification Process June 2021. Collection method: clinical testing. Allele origin: germline. Affected: yes.
Comment: Functional studies on fibroblasts demonstrated that R1133X results in a null allele (PMID: 22696272); Nonsense variant predicted to result in protein truncation or nonsense mediated decay in a gene for which loss of function is a known mechanism of disease; Not observed at significant frequency in large population cohorts (gnomAD); This variant is associated with the following publications: (PMID: 22696272, 28485813, 34265140, 37813462)

PreventionGenetics, part of Exact Sciences
Classification: Pathogenic for COL5A1-related condition. Last evaluated: 2024-12-10. Review status: criteria provided, single submitter. Criteria: ACMG Guidelines, 2015. Collection method: clinical testing. Allele origin: germline.
Comment: The COL5A1 c.3397C>T variant is predicted to result in premature protein termination (p.Arg1133*). This variant has been reported in several individuals with a diagnosis or clinical suspicion of Ehlers-Danlos syndrome (Table S1, Colombi et al. 2017. PubMed ID: 28485813; Colman et al. 2021. PubMed ID: 34265140; Vandersteen et al. 2024. PubMed ID: 37813462). This variant has not been reported in a large population database (gnomAD v2) although this data contains a warning flag and should be interpreted with caution; this variant is not present in gnomAD v4 (available only in GRCh38). Nonsense variants in COL5A1 are expected to be pathogenic. This variant is interpreted as pathogenic.

Women's Health and Genetics/Laboratory Corporation of America, LabCorp
Classification: Pathogenic for Ehlers-Danlos syndrome. Last evaluated: 2024-01-16. Review status: criteria provided, single submitter. Criteria: LabCorp Variant Classification Summary - May 2015. Collection method: clinical testing. Allele origin: germline.
Comment: Variant summary: COL5A1 c.3397C>T (p.Arg1133X) results in a premature termination codon, predicted to cause a truncation of the encoded protein or absence of the protein due to nonsense mediated decay, which are commonly known mechanisms for disease. The frequency data for this variant in gnomAD is considered unreliable, as metrics indicate poor data quality at this position. c.3397C>T has been reported in the literature in multiple individuals affected with Ehlers-Danlos Syndrome (e.g. Colman_2021). These data indicate that the variant is likely associated with disease. To our knowledge, no experimental evidence demonstrating an impact on protein function has been reported. The following publication has been ascertained in the context of this evaluation (PMID: 34265140). ClinVar contains an entry for this variant (Variation ID: 280931). Based on the evidence outlined above, the variant was classified as pathogenic.

ARUP Laboratories, Molecular Genetics and Genomics, ARUP Laboratories
Classification: Pathogenic. Last evaluated: 2023-05-03. Review status: criteria provided, single submitter. Criteria: ARUP Molecular Germline Variant Investigation Process 2024. Collection method: clinical testing. Allele origin: germline.
Comment: The COL5A1 c.3397C>T; p.Arg1133Ter variant (rs886042045) is reported in the literature in multiple individuals affected with Ehlers-Danlos syndrome (Colombi 2017, Symoens 2012). This variant is also reported in ClinVar (Variation ID: 280931) and is absent from the Genome Aggregation Database, indicating it is not a common polymorphism. This variant induces an early termination codon and is predicted to result in a truncated protein or mRNA subject to nonsense-mediated decay. Based on available information, this variant is considered to be pathogenic. References: Colombi M et al. Spectrum of mucocutaneous, ocular and facial features and delineation of novel presentations in 62 classical Ehlers-Danlos syndrome patients. Clin Genet. 2017 Dec;92(6):624-631. PMID: 28485813. Symoens S et al. Comprehensive molecular analysis demonstrates type V collagen mutations in over 90% of patients with classic EDS and allows to refine diagnostic criteria. Hum Mutat. 2012 Oct;33(10):1485-93. PMID: 22696272

CeGaT Center for Human Genetics Tuebingen
Classification: Pathogenic. Last evaluated: 2018-11-01. Review status: criteria provided, single submitter. Criteria: CeGaT Center For Human Genetics Tuebingen Variant Classification Criteria Version 2. Collection method: clinical testing. Allele origin: germline. Affected: yes. Observed: 1 variant allele.

Literature cited by the submitters: PubMed 23587214 (cited by Labcorp Genetics (formerly Invitae), Labcorp); PubMed 22696272 (cited by Labcorp Genetics (formerly Invitae), Labcorp); PubMed 28485813 (cited by Labcorp Genetics (formerly Invitae), Labcorp and 3billion); PubMed 34265140 (cited by Women's Health and Genetics/Laboratory Corporation of America, LabCorp).